The following is an entry in ClinVar:

ClinVar aggregate classification (germline): Pathogenic/Likely pathogenic. Review status: criteria provided, multiple submitters, no conflicts (2 of 4 stars). 5 submissions from 5 submitters: Pathogenic (4); Likely pathogenic (1). Last evaluated 2026-10-19.

Conditions:
Dilated cardiomyopathy 1HH (CMD1HH). Identifiers: Orphanet 154, MedGen C3151293, MONDO:0013479, OMIM 613881.
Myofibrillar myopathy 6. Identifiers: Orphanet 199340, MedGen C2751831, MONDO:0013061, OMIM 612954.
Cardiovascular phenotype. Identifiers: MedGen CN230736.

Allele frequency attached by ClinVar (database versions not stated): gnomAD exomes below 0.00001.
gnomAD v4.1: 1 of 1,614,230 alleles (0.000062%); highest among the groups gnomAD compares: Non-Finnish European, 0.000085%; no homozygotes.

Submissions (5):

GeneDx
Classification: Pathogenic. Last evaluated: 2026-10-19. Review status: criteria provided, single submitter. Criteria: GeneDx Variant Classification Process June 2021. Collection method: clinical testing. Allele origin: germline.
Comment: Nonsense variant predicted to result in protein truncation or nonsense mediated decay in a gene for which loss of function is a known mechanism of disease; Not observed at significant frequency in large population cohorts (gnomAD); This variant is associated with the following publications: (PMID: 31514951, 36642055, 40995491, 36396199)

Labcorp Genetics (formerly Invitae), Labcorp
Classification: Pathogenic for Dilated cardiomyopathy 1HH; Myofibrillar myopathy 6. Last evaluated: 2025-06-30. Review status: criteria provided, single submitter. Criteria: Invitae Variant Classification Sherloc (09022015). Collection method: clinical testing. Allele origin: germline.
Comment: This sequence change creates a premature translational stop signal (p.Tyr233*) in the BAG3 gene. It is expected to result in an absent or disrupted protein product. Loss-of-function variants in BAG3 are known to be pathogenic (PMID: 21353195, 25008357). This variant is not present in population databases (gnomAD no frequency). This premature translational stop signal has been observed in individual(s) with dilated cardiomyopathy (PMID: 31514951). ClinVar contains an entry for this variant (Variation ID: 234982). For these reasons, this variant has been classified as Pathogenic.

Fulgent Genetics
Classification: Pathogenic for Myofibrillar myopathy 6; Dilated cardiomyopathy 1HH. Last evaluated: 2024-02-28. Review status: criteria provided, single submitter. Criteria: ACMG Guidelines, 2015. Collection method: clinical testing. Allele origin: germline.

Ambry Genetics
Classification: Pathogenic for Cardiovascular phenotype. Last evaluated: 2023-03-13. Review status: criteria provided, single submitter. Criteria: Ambry Variant Classification Scheme 2023. Collection method: clinical testing. Allele origin: germline.
Comment: The p.Y233* pathogenic mutation (also known as c.699C>A), located in coding exon 3 of the BAG3 gene, results from a C to A substitution at nucleotide position 699. This changes the amino acid from a tyrosine to a stop codon within coding exon 3. This variant is considered to be rare based on population cohorts in the Genome Aggregation Database (gnomAD). This alteration is expected to result in loss of function by premature protein truncation or nonsense-mediated mRNA decay. As such, this alteration is interpreted as a disease-causing mutation.

Stanford Center for Inherited Cardiovascular Disease, Stanford University
Classification: Likely pathogenic. Last evaluated: 2015-07-22. Review status: criteria provided, single submitter. Criteria: ACMG Guidelines, 2015. Collection method: provider interpretation. Allele origin: germline.

Literature cited by the submitters: PubMed 21353195 (cited by Labcorp Genetics (formerly Invitae), Labcorp); PubMed 25008357 (cited by Labcorp Genetics (formerly Invitae), Labcorp); PubMed 31514951 (cited by Labcorp Genetics (formerly Invitae), Labcorp).

NM_004281.4(BAG3):c.699C>A (p.Tyr233Ter)

Gene: BAG3 (BAG cochaperone 3; plus strand). Cytogenetic location: 10q26.11.
Variant type: single nucleotide variant.
Coding change: c.699C>A on transcript NM_004281.4 (MANE Select); coding-DNA position 699, C replaced by A.
Protein change: p.Tyr233Ter; replaces tyrosine 233 with a stop codon.
Molecular consequence: nonsense.
Genome position (GRCh38, 1-based): chr10:119,672,446, C>A. VCF-style: chr10-119672446-C-A. GRCh37 (hg19) VCF-style: chr10-121431958-C-A.
Other names: short protein forms Y233*.
Identifiers: ClinVar variation 234982 (VCV000234982.19), dbSNP rs876661342, ClinGen allele CA10581154.